The following is an entry in ClinVar:

ClinVar aggregate classification (germline): Pathogenic. Review status: reviewed by expert panel (3 of 4 stars). 9 submissions from 9 submitters: Pathogenic (1). 8 of the submissions do not count toward it. Last evaluated 2025-12-16.

Conditions:
Glycogen storage disease, type II (IOPD). Also called: POMPE DISEASE, INFANTILE-ONSET; GLYCOGEN STORAGE DISEASE II, INFANTILE-ONSET; ACID ALPHA-GLUCOSIDASE DEFICIENCY, INFANTILE-ONSET; GAA DEFICIENCY, INFANTILE-ONSET; ACID MALTASE DEFICIENCY, INFANTILE-ONSET; CARDIOMEGALIA GLYCOGENICA DIFFUSA. Identifiers: Orphanet 365, MedGen C0017921, MONDO:0009290, OMIM 232300.

Allele frequency attached by ClinVar (database versions not stated): TOPMed below 0.00001.
gnomAD v4.1: 1 of 1,613,944 alleles (0.000062%); highest among the groups gnomAD compares: East Asian, 0.0022%; no homozygotes.

Submissions (9):

ClinGen Lysosomal Storage Disorder Variant Curation Expert Panel
Classification: Pathogenic for Glycogen storage disease, type II. Last evaluated: 2025-12-16. Review status: reviewed by expert panel. Criteria: clingen_lsd_acmg_specifications_v2-1. Collection method: curation. Allele origin: germline. Inheritance: Autosomal recessive inheritance.
Comment: The NM_000152.5:c.1669A>T variant in GAA is a missense variant predicted to result in substitution of isoleucine by phenylalanine at amino acid 557 (p.Ile557Phe). The variant has been reported to be in cis, or phase unconfirmed, with c.2132C>G (p.Thr711Arg) in some cases. Excluding those cases, five probands in whom the p.Ile557Phe variant is in compound heterozygosity with a variant other than p.Thr711Arg, have been reported, all with infantile onset Pompe disease. At least one of these patients has documented features of infantile onset Pompe disease and deficient GAA activity (PMID: 36428004, 38162137, Clinical Laboratory) (PP4_Moderate). Five patients with IOPD have been reported who are compound heterozygous for the variant and another variant in GAA that has been classified as pathogenic or likely pathogenic for Pompe disease by the ClinGen LD VCEP. For four of these patients, the second variant was confirmed to be in trans; the second variant was either c.1935C>A (p.Asp645Glu) (P, ClinVar Variation ID: 4029, 1 point) (PMID: 38162137), c.2662G>T (p.Glu888Ter) (P, ClinVar ID Variation ID: 578595, 1 point) (PMID: 38162137), or c.1978C>T (p.Arg660Cys) (P, ClinVar Variation ID: 558604, 1 point) (Duke) or c.1843G>A (p.Gly615Arg) (LP, ClinVar Variation ID: 188786) (PMID: 36428004). Another patient was compound heterozygous for the variant, phase unconfirmed, and c.2237G>A (p.Trp746Ter) (ClinVar Variation ID: 280063, 0.5 points) (PMID: 38162137), Total 4.5 points (PM3_Very_Strong). In addition, a patient with IOPD was compound heterozygous for c.118C>T (p.Arg40Ter) (paternal), and c.[1669A>T; 2132C>G] (p.[Ile557Phe:Thr711Arg]) (maternal). c.118C>T (p.Arg40Ter) (ClinVar Variation ID: 426593) is pathogenic based on classification by the ClinGen LD VCEP, while another is compound heterozygous for c.2799+4 A>G (LP based on classification by the ClinGen LD VCEP), c.2132C>G (p.Thr711Arg), and c.1669A>T (p.Ile557Phe), phase unknown. Due to the presence of three variants, phase unknown, this data was not included. Additional patients are compound heterozygous for the variant and c.1385T>C (p.Leu462Pro) (PMID: 25612604), c.1013A>T (p.Asp338Val) (PMID: 34134972), or c.2132C>G (p.Thr711Arg) (PMID: 23884227, 39010129). The allelic data from these patients will be used for the classification of the second variant and is not included here to avoid circular logic. The highest population minor allele frequency in gnomAD v4.1.0. is 0.00002228 (1/44880 alleles) in the East Asian population, which is lower than the ClinGen Lysosomal Diseases VCEP’s threshold for PM2_Supporting (<0.001), meeting this criterion (PM2_Supporting). Expression of the variant in COS7 or HEK293 cells resulted in 2.7% GAA activity in cells and 0.3% in medium, and evidence of abnormal synthesis and processing on Western blot, indicating that this variant may impact protein function (PMID: 22644586) (PS3_Moderate). The computational predictor REVEL gives a score of 0.662 which is neither above nor below the thresholds predicting a damaging (>0.7) or benign (<0.5) impact on GAA function. Two other missense variants, c.1669A>G (p.Ile557Val) (ClinVar Variation ID: 856959) and c.1670T>G (p.Ile557Ser) (PMID: 26474166), in the same codon have been reported in patients with Pompe disease; p.Ile557Ser (ClinVar Variation ID: 1693547) has been classified as likely pathogenic for Pompe disease by the ClinGen LD VCEP (PM5_Supporting). There is a ClinVar entry for this variant (Variation ID: 558634). In summary, this variant meets the criteria to be classified as Pathogenic for Pompe disease. GAA-specific ACMG/AMP criteria met, based on the specifications of the ClinGen Lysosomal Diseases Variant Curation Expert Panel (Specifications Version 2.0.0): PM3_Very Strong, PS3_Moderate, PP4_Moderate, PM2_Supporting, PM5_Supporting. (Classification approved by the ClinGen Lysosomal Diseases Variant Curation Expert Panel, December 16, 2025).

Genomenon, Inc
Classification: Likely pathogenic for Glycogen storage disease, type II. Last evaluated: 2026-07-01. Review status: criteria provided, single submitter. Criteria: Genomenon Sequence Variant Interpretation Standards - Updated. Collection method: curation. Allele origin: germline. Affected: yes. Not counted in ClinVar's aggregate classification.
Comment: GAA p.Ile557Phe (c.1669A>T) is a missense variant that changes the amino acid at codon 557 from Isoleucine to Phenylalanine. This variant has been observed in at least one proband with a GAA-related disorder in the compound heterozygous and/or homozygous state (PMID:39213226;39010129;38162137;34134972;25612604). At least one functional study has demonstrated a substantial alteration in protein function relative to the wild-type (PMID:22644586). It is absent or not present at a significant frequency in gnomAD. In conclusion, we classify GAA p.Ile557Phe (c.1669A>T) as a likely pathogenic variant.

Natera, Inc.
Classification: Pathogenic for Glycogen storage disease type II. Last evaluated: 2025-01-30. Review status: criteria provided, single submitter. Criteria: Natera Variant Classification Schema (03/2026). Collection method: clinical testing. Allele origin: germline. Not counted in ClinVar's aggregate classification.
Comment: The c.1669A>T variant in GAA is a missense variant predicted to cause substitution of isoleucine to phenylalanine at amino acid 557. This variant is rare in the general population with a frequency below the threshold expected for the associated phenotype(s). This variant has been observed in one or more individuals affected with the associated recessive disease, as either homozygous or compound heterozygous with a second variant (PMID: 38162137, 38186848, 23884227, 25612604). Additionally, this variant has been observed to segregate in affected family members (PMID: 23884227). Functional studies show that this variant may disrupt protein function (PMID: 22644586). Given the available evidence, this variant is classified as Pathogenic.

Revvity Omics, Revvity
Classification: Likely pathogenic. Last evaluated: 2024-10-01. Review status: criteria provided, single submitter. Criteria: ACMG Guidelines, 2015. Collection method: clinical testing. Allele origin: germline. Not counted in ClinVar's aggregate classification.

3billion
Classification: Likely pathogenic for Glycogen storage disease, type II. Last evaluated: 2024-03-15. Review status: criteria provided, single submitter. Criteria: ACMG Guidelines, 2015. Collection method: clinical testing. Allele origin: germline. Affected: yes. Not counted in ClinVar's aggregate classification.
Comment: The variant is not observed in the gnomAD v2.1.1 dataset. Predicted Consequence/Location: Missense variant In silico tool predictions suggest damaging effect of the variant on gene or gene product [REVEL: 0.66 (>=0.6, sensitivity 0.68 and specificity 0.92); 3Cnet: 0.86 (>=0.6, sensitivity 0.72 and precision 0.9)]. Same nucleotide change resulting in same amino acid change has been previously reported as pathogenic/likely pathogenic with strong evidence (ClinVar ID: VCV000558634). A different missense change at the same codon (p.Ile557Ser) has been reported as pathogenic/likely pathogenic with strong evidence (ClinVar ID: VCV001693547). Therefore, this variant is classified as Likely pathogenic according to the recommendation of ACMG/AMP guideline.

Labcorp Genetics (formerly Invitae), Labcorp
Classification: Pathogenic for Glycogen storage disease, type II. Last evaluated: 2024-02-14. Review status: criteria provided, single submitter. Criteria: Invitae Variant Classification Sherloc (09022015). Collection method: clinical testing. Allele origin: germline. Not counted in ClinVar's aggregate classification.
Comment: This sequence change replaces isoleucine, which is neutral and non-polar, with phenylalanine, which is neutral and non-polar, at codon 557 of the GAA protein (p.Ile557Phe). This variant is not present in population databases (gnomAD no frequency). This missense change has been observed in individual(s) with Pompe disease (PMID: 23884227). In at least one individual the data is consistent with being in trans (on the opposite chromosome) from a pathogenic variant. It has also been observed to segregate with disease in related individuals. ClinVar contains an entry for this variant (Variation ID: 558634). Advanced modeling of protein sequence and biophysical properties (such as structural, functional, and spatial information, amino acid conservation, physicochemical variation, residue mobility, and thermodynamic stability) has been performed at Invitae for this missense variant, however the output from this modeling did not meet the statistical confidence thresholds required to predict the impact of this variant on GAA protein function. For these reasons, this variant has been classified as Pathogenic.

Genome-Nilou Lab
Classification: Likely pathogenic for Glycogen storage disease, type II. Last evaluated: 2021-07-22. Review status: criteria provided, single submitter. Criteria: ACMG Guidelines, 2015. Collection method: clinical testing. Allele origin: germline. Affected: no. Not counted in ClinVar's aggregate classification.

Juno Genomics, Hangzhou Juno Genomics, Inc
Classification: Likely pathogenic for Glycogen storage disease, type II. Review status: criteria provided, single submitter. Criteria: ACMG Guidelines, 2015. Collection method: clinical testing. Allele origin: germline. Not counted in ClinVar's aggregate classification.
Comment: Absent from controls (or at extremely low frequency if recessive) in Genome Aggregation Database.;For recessive disorders, detected in trans with a pathogenic variant.;Patient's phenotype or family history is highly specific for a disease with a single genetic etiology.;Well-established in vitro or in vivo functional studies supportive of a damaging effect on the gene or gene product.

Counsyl
Classification: Uncertain significance for Glycogen storage disease, type II. Last evaluated: 2018-06-05. Review status: no assertion criteria provided. Collection method: clinical testing. Allele origin: unknown. Not counted in ClinVar's aggregate classification.

Literature cited by the submitters: PubMed 39213226 (cited by Genomenon, Inc); PubMed 39010129 (cited by Genomenon, Inc); PubMed 38162137 (cited by Genomenon, Inc and Natera, Inc.); PubMed 34134972 (cited by Genomenon, Inc); PubMed 25612604 (cited by 3 submitters); PubMed 22644586 (cited by 3 submitters); PubMed 38186848 (cited by Natera, Inc.); PubMed 23884227 (cited by 3 submitters); PubMed 20080426 (cited by Counsyl).

NM_000152.5(GAA):c.1669A>T (p.Ile557Phe)

Gene: GAA (alpha glucosidase; plus strand). Cytogenetic location: 17q25.3.
Variant type: single nucleotide variant.
Coding change: c.1669A>T on transcript NM_000152.5 (MANE Select); coding-DNA position 1669, A replaced by T.
Protein change: p.Ile557Phe; replaces isoleucine 557 with phenylalanine.
Molecular consequence: missense variant.
Genome position (GRCh38, 1-based): chr17:80,112,015, A>T. VCF-style: chr17-80112015-A-T. GRCh37 (hg19) VCF-style: chr17-78085814-A-T.
Other names: NM_000152.5(GAA):c.1669A>T; p.Ile557Phe; c.1669A>T, p.Ile557Phe (NM_001079803.3, NM_001079804.3); c.1669A>T (LRG_673t1, NM_000152.4); short protein forms I557F.
Identifiers: ClinVar variation 558634 (VCV000558634.25), dbSNP rs747150965, ClinGen allele CA401368911.